The following is an entry in ClinVar:

NM_012388.4(BLOC1S6):c.210_211dup (p.Leu71fs)

Gene: BLOC1S6 (biogenesis of lysosomal organelles complex 1 subunit 6; plus strand). Cytogenetic location: 15q21.1.
Variant type: Duplication.
Coding change: c.210_211dup on transcript NM_012388.4 (MANE Select); coding-DNA positions 210 to 211, 2 bases duplicated (CC; older notation c.210_211dupCC).
Protein change: p.Leu71fs; shifts the reading frame from leucine 71.
Molecular consequence: frameshift variant. On other transcripts: non-coding transcript variant (5).
Genome position (GRCh38, 1-based): chr15:45,592,262-45,592,263, CC duplicated; duplicating any 2 consecutive bases within chr15:45,592,261-45,592,263 gives the same sequence; the c. name uses the placement nearest the transcript's 3' end. VCF-style (leftmost placement, unchanged base first): chr15-45592260-G-GCC. GRCh37 (hg19) VCF-style: chr15-45884458-G-GCC.
Other names: c.225_226dup, p.Leu76fs (NM_001311255.1, NM_001311256.1); short protein forms L71fs, L76fs.
Identifiers: ClinVar variation 1308509 (VCV001308509.2), dbSNP rs2140904677, ClinGen allele CA2573054022.
Genomic context (GRCh38, chr15:45,592,260, plus strand): 5'-GAGCAACTGGCAGAAGGATTGCTTTCTCATTATTTGCCAGATCTGCAGAGATCAAAACAA[G>GCC]CCCTCCAGGAACTCACGTAAGCTAATAAAAAACCAGATATACACTCATTTCCTCTGTGGC-3'

ClinVar aggregate classification (germline): Uncertain significance (1 of 4 stars; one submission).

Submission:

GeneDx
Classification: Uncertain significance. Last evaluated: 2019-04-02. Review status: criteria provided, single submitter. Criteria: GeneDx Variant Classification Process June 2021. Collection method: clinical testing. Allele origin: germline. Affected: yes.
Comment: Frameshift variant predicted to result in protein truncation or nonsense mediated decay in a gene for which loss-of-function is not a known mechanism of disease; Not observed in large population cohorts (Lek et al., 2016); Has not been previously published as pathogenic or benign to our knowledge